The following is an entry in ClinVar:

ClinVar aggregate classification (germline): Uncertain significance (1 of 4 stars; one submission).

Conditions:
Hypertrophic cardiomyopathy 19. Also called: Familial hypertrophic cardiomyopathy 19. Identifiers: MedGen CN077603, MONDO:0013476.

Submission:

Labcorp Genetics (formerly Invitae), Labcorp
Classification: Uncertain significance for Hypertrophic cardiomyopathy 19. Last evaluated: 2025-10-19. Review status: criteria provided, single submitter. Criteria: Invitae Variant Classification Sherloc (09022015). Collection method: clinical testing. Allele origin: germline.
Comment: This sequence change replaces glutamine, which is neutral and polar, with arginine, which is basic and polar, at codon 127 of the CALR3 protein (p.Gln127Arg). Information on the frequency of this variant in the gnomAD database is not available, as this variant may be reported differently in the database. This variant has not been reported in the literature in individuals affected with CALR3-related conditions. An algorithm developed to predict the effect of missense changes on protein structure and function (PolyPhen-2) suggests that this variant is likely to be tolerated. In summary, the available evidence is currently insufficient to determine the role of this variant in disease. Therefore, it has been classified as a Variant of Uncertain Significance.

NM_145046.5(CALR3):c.380_381delinsGA (p.Gln127Arg)

Gene: CALR3 (calreticulin 3; minus strand). Cytogenetic location: 19p13.11.
Variant type: Indel.
Coding change: c.380_381delinsGA on transcript NM_145046.5 (MANE Select); coding-DNA positions 380 to 381, AG replaced by GA.
Protein change: p.Gln127Arg; replaces glutamine 127 with arginine.
Molecular consequence: missense variant.
Genome position (GRCh38, 1-based): chr19:16,490,383-16,490,384, CT replaced by TC on the plus strand (AG replaced by GA on the coding strand, the reverse complement: CALR3 is on the minus strand). VCF-style: chr19-16490383-CT-TC. GRCh37 (hg19) VCF-style: chr19-16601194-CT-TC.
Other names: short protein forms Q127R.
Identifiers: ClinVar variation 4729521 (VCV004729521.1).